The following is an entry in ClinVar:

NM_004991.4(MECOM):c.2213C>T (p.Ser738Phe)

Gene: MECOM (MDS1 and EVI1 complex locus; minus strand). Cytogenetic location: 3q26.2.
Variant type: single nucleotide variant.
Coding change: c.2213C>T on transcript NM_004991.4 (MANE Select); coding-DNA position 2213, C replaced by T.
Protein change: p.Ser738Phe; replaces serine 738 with phenylalanine.
Molecular consequence: missense variant.
Genome position (GRCh38, 1-based): chr3:169,115,659, G>A on the plus strand (C>T on the coding strand, the complement: MECOM is on the minus strand). VCF-style: chr3-169115659-G-A. GRCh37 (hg19) VCF-style: chr3-168833447-G-A.
Other names: c.1649C>T, p.Ser550Phe (NM_001366469.2, NM_001366471.2, NM_001366472.2 and 4 more transcripts); c.1652C>T, p.Ser551Phe (NM_001366470.2, NM_001163999.2, NM_001366467.2 and 1 more transcripts); c.1241C>T, p.Ser414Phe (NM_001366473.2); c.677C>T, p.Ser226Phe (NM_001366474.2); c.1844C>T, p.Ser615Phe (NM_001105077.4); c.2213C>T, p.Ser738Phe (NM_001366466.2); short protein forms S551F, S738F, S226F, S414F, S615F, S550F.
Identifiers: ClinVar variation 2599916 (VCV002599916.3), dbSNP rs745306581, ClinGen allele CA2696225.

ClinVar aggregate classification (germline): Uncertain significance (1 of 4 stars; one submission).

Conditions:
Inborn genetic diseases. Identifiers: MedGen C0950123, MeSH D030342.

Allele frequency attached by ClinVar (database versions not stated): ExAC 0.00002; gnomAD exomes 0.00001; TOPMed 0.00001.
gnomAD v4.1: 3 of 1,614,160 alleles (0.00019%); highest among the groups gnomAD compares: East Asian, 0.0045%; no homozygotes.

Submission:

Ambry Genetics
Classification: Uncertain significance for Inborn genetic diseases. Last evaluated: 2025-10-14. Review status: criteria provided, single submitter. Criteria: Ambry Variant Classification Scheme 2023. Collection method: clinical testing. Allele origin: germline.
Comment: The p.S738F variant (also known as c.2213C>T), located in coding exon 8 of the MECOM gene, results from a C to T substitution at nucleotide position 2213. The serine at codon 738 is replaced by phenylalanine, an amino acid with highly dissimilar properties. This amino acid position is conserved. In addition, this alteration is predicted to be tolerated by in silico analysis. Based on the available evidence, the clinical significance of this variant remains unclear.